The following is an entry in ClinVar:

NM_001987.5(ETV6):c.388T>G (p.Phe130Val)

Gene: ETV6 (ETS variant transcription factor 6; plus strand). Cytogenetic location: 12p13.2.
Variant type: single nucleotide variant.
Coding change: c.388T>G on transcript NM_001987.5 (MANE Select); coding-DNA position 388, T replaced by G.
Protein change: p.Phe130Val; replaces phenylalanine 130 with valine.
Molecular consequence: missense variant.
Genome position (GRCh38, 1-based): chr12:11,853,486, T>G. VCF-style: chr12-11853486-T-G. GRCh37 (hg19) VCF-style: chr12-12006420-T-G.
Other names: c.385T>G, p.Phe129Val (NM_001413913.1); c.361T>G, p.Phe121Val (NM_001413914.1); c.124T>G, p.Phe42Val (NM_001413915.1); c.388T>G, p.Phe130Val (NM_001413916.1, NM_001413917.1); short protein forms F130V, F42V, F121V, F129V.
Identifiers: ClinVar variation 4020063 (VCV004020063.1).
Genomic context (GRCh38, chr12:11,853,486, plus strand): 5'-GGTGATGTGCTCTATGAACTCCTTCAGCATATTCTGAAGCAGAGGAAACCTCGGATTCTT[T>G]TTTCACCATTCTTCCACCCTGGAAACTCTATACACACACAGCCGGAGGTCATACTGCATC-3'
Protein context (NP_001978.1, residues 120-140): ILKQRKPRIL[Phe130Val]SPFFHPGNSI

ClinVar aggregate classification (germline): Uncertain significance (1 of 4 stars; one submission).

Conditions:
Inborn genetic diseases. Identifiers: MedGen C0950123, MeSH D030342.

Submission:

Ambry Genetics
Classification: Uncertain significance for Inborn genetic diseases. Last evaluated: 2025-04-11. Review status: criteria provided, single submitter. Criteria: Ambry Variant Classification Scheme 2023. Collection method: clinical testing. Allele origin: germline.
Comment: The p.F130V variant (also known as c.388T>G), located in coding exon 4 of the ETV6 gene, results from a T to G substitution at nucleotide position 388. The phenylalanine at codon 130 is replaced by valine, an amino acid with highly similar properties. This amino acid position is conserved. In addition, this alteration is predicted to be tolerated by in silico analysis. Based on the available evidence, the clinical significance of this variant remains unclear.